The following is an entry in ClinVar:

NM_001253852.3(AP4B1):c.1696G>C (p.Val566Leu)

Genes: AP4B1 (adaptor related protein complex 4 subunit beta 1; minus strand), AP4B1-AS1 (AP4B1 antisense RNA 1; plus strand). Cytogenetic location: 1p13.2.
Variant type: single nucleotide variant.
Coding change: c.1696G>C on transcript NM_001253852.3 (MANE Select); coding-DNA position 1696, G replaced by C.
Protein change: p.Val566Leu; replaces valine 566 with leucine.
Molecular consequence: missense variant.
Genome position (GRCh38, 1-based): chr1:113,895,853, C>G on the plus strand (G>C on the coding strand, the complement: AP4B1 is on the minus strand). VCF-style: chr1-113895853-C-G. GRCh37 (hg19) VCF-style: chr1-114438475-C-G.
Other names: c.1399G>C, p.Val467Leu (NM_001253853.3); c.1192G>C, p.Val398Leu (NM_001308312.2); c.1696G>C, p.Val566Leu (NM_006594.5); short protein forms V398L, V467L, V566L.
Identifiers: ClinVar variation 1485382 (VCV001485382.8), dbSNP rs2100994599, ClinGen allele CA341708518.

ClinVar aggregate classification (germline): Uncertain significance (1 of 4 stars; one submission).

Conditions:
Hereditary spastic paraplegia 47. Also called: CEREBRAL PALSY, SPASTIC QUADRIPLEGIC, 5; Spastic paraplegia 47, autosomal recessive; adaptor protein 4 (AP-4) deficiency syndrome. Identifiers: Orphanet 280763, MedGen C3279738, MONDO:0013551, OMIM 614066.

Submission:

Labcorp Genetics (formerly Invitae), Labcorp
Classification: Uncertain significance for Hereditary spastic paraplegia 47. Last evaluated: 2020-11-16. Review status: criteria provided, single submitter. Criteria: Invitae Variant Classification Sherloc (09022015). Collection method: clinical testing. Allele origin: germline.
Comment: This variant has not been reported in the literature in individuals with AP4B1-related conditions. Algorithms developed to predict the effect of missense changes on protein structure and function (SIFT, PolyPhen-2, Align-GVGD) all suggest that this variant is likely to be tolerated, but these predictions have not been confirmed by published functional studies and their clinical significance is uncertain. In summary, the available evidence is currently insufficient to determine the role of this variant in disease. Therefore, it has been classified as a Variant of Uncertain Significance. This variant is not present in population databases (ExAC no frequency). This sequence change replaces valine with leucine at codon 566 of the AP4B1 protein (p.Val566Leu). The valine residue is moderately conserved and there is a small physicochemical difference between valine and leucine.